The following is an entry in ClinVar:

NM_004385.5(VCAN):c.833C>T (p.Ala278Val)

Gene: VCAN (versican; plus strand). Cytogenetic location: 5q14.3.
Variant type: single nucleotide variant.
Coding change: c.833C>T on transcript NM_004385.5 (MANE Select); coding-DNA position 833, C replaced by T.
Protein change: p.Ala278Val; replaces alanine 278 with valine.
Molecular consequence: missense variant.
Genome position (GRCh38, 1-based): chr5:83,512,187, C>T. VCF-style: chr5-83512187-C-T. GRCh37 (hg19) VCF-style: chr5-82808006-C-T.
Other names: c.833C>T, p.Ala278Val (NM_001126336.3, NM_001164097.2, NM_001164098.2); short protein forms A278V.
Identifiers: ClinVar variation 4724905 (VCV004724905.1).

ClinVar aggregate classification (germline): Uncertain significance (1 of 4 stars; one submission).

Submission:

Labcorp Genetics (formerly Invitae), Labcorp
Classification: Uncertain significance. Last evaluated: 2025-09-29. Review status: criteria provided, single submitter. Criteria: Invitae Variant Classification Sherloc (09022015). Collection method: clinical testing. Allele origin: germline.
Comment: This sequence change replaces alanine, which is neutral and non-polar, with valine, which is neutral and non-polar, at codon 278 of the VCAN protein (p.Ala278Val). This variant is not present in population databases (gnomAD no frequency). This variant has not been reported in the literature in individuals affected with VCAN-related conditions. An algorithm developed to predict the effect of missense changes on protein structure and function (PolyPhen-2) suggests that this variant is likely to be disruptive. In summary, the available evidence is currently insufficient to determine the role of this variant in disease. Therefore, it has been classified as a Variant of Uncertain Significance.